The following is an entry in ClinVar:

NM_182961.4(SYNE1):c.19893+1G>T

Gene: SYNE1 (spectrin repeat containing nuclear envelope protein 1; minus strand). Cytogenetic location: 6q25.2.
Variant type: single nucleotide variant.
Coding change: c.19893+1G>T on transcript NM_182961.4 (MANE Select); the canonical splice donor site of the intron after coding-DNA position 19893, G replaced by T.
Molecular consequence: splice donor variant.
Genome position (GRCh38, 1-based): chr6:152,242,239, C>A on the plus strand (G>T on the coding strand, the complement: SYNE1 is on the minus strand). VCF-style: chr6-152242239-C-A. GRCh37 (hg19) VCF-style: chr6-152563374-C-A.
Other names: c.19680+1G>T (NM_033071.5).
Identifiers: ClinVar variation 1335958 (VCV001335958.4), dbSNP rs1191629465, ClinGen allele CA366128982.
Genomic context (GRCh38, chr6:152,242,239, plus strand): 5'-AGGGTTTGAGAGCATGCTTTCCAATTACATTTTCTCTCTATCACTCTTTTTTGTTATGTA[C>A]CTTATGTTTGTCAAGTAGTTGCTGGATTTCCTCTTTGGAAGACACGATGATTTTCTGGTC-3'

ClinVar aggregate classification (germline): Pathogenic (1 of 4 stars; one submission).

Submission:

Genetic Services Laboratory, University of Chicago
Classification: Pathogenic. Last evaluated: 2018-09-10. Review status: criteria provided, single submitter. Criteria: ACMG Guidelines, 2015. Collection method: clinical testing. Allele origin: germline. Affected: yes.
Comment: DNA sequence analysis of the SYNE1 gene demonstrated a sequence change in the SYNE1 gene in the canonical splice donor site of intron 106, c.19680+1G>T. This sequence change does not appear to have been previously described in patients with SYNE1-related disorders and has also not been described as a known benign sequence change in the SYNE1 gene. This pathogenic sequence change is predicted to affect normal splicing of the SYNE1 gene and result in an abnormal protein.